The following is an entry in ClinVar:

NM_001042492.3(NF1):c.4846G>A (p.Gly1616Ser)

Gene: NF1 (neurofibromin 1; plus strand). Cytogenetic location: 17q11.2.
Variant type: single nucleotide variant.
Coding change: c.4846G>A on transcript NM_001042492.3 (MANE Select); coding-DNA position 4846, G replaced by A.
Protein change: p.Gly1616Ser; replaces glycine 1616 with serine.
Molecular consequence: missense variant.
Genome position (GRCh38, 1-based): chr17:31,325,830, G>A. VCF-style: chr17-31325830-G-A. GRCh37 (hg19) VCF-style: chr17-29652848-G-A.
Other names: c.4783G>A, p.Gly1595Ser (NM_000267.4); short protein forms G1616S, G1595S.
Identifiers: ClinVar variation 457721 (VCV000457721.10), dbSNP rs1555533271, ClinGen allele CA399006897.

ClinVar aggregate classification (germline): Uncertain significance. Review status: criteria provided, multiple submitters, no conflicts (2 of 4 stars). 3 submissions from 3 submitters: Uncertain significance (3). Last evaluated 2022-03-15.

Conditions:
Neurofibromatosis, type 1 (NF1). Also called: VON RECKLINGHAUSEN DISEASE; NEUROFIBROMATOSIS, TYPE I, SOMATIC; Peripheral type neurofibromatosis; Neurofibromatosis, type I. Identifiers: Orphanet 636, MedGen C0027831, MONDO:0018975, OMIM 162200. Disease mechanism: loss of function.
Cardiovascular phenotype. Identifiers: MedGen CN230736.
Hereditary cancer-predisposing syndrome. Also called: Hereditary Cancer Syndrome; Hereditary neoplastic syndrome; Tumor predisposition; Neoplastic Syndromes, Hereditary. Identifiers: Orphanet 140162, MedGen C0027672, MeSH D009386, MONDO:0015356.

Submissions (3):

Genome-Nilou Lab
Classification: Uncertain significance for Neurofibromatosis, type 1. Last evaluated: 2022-03-15. Review status: criteria provided, single submitter. Criteria: ACMG Guidelines, 2015. Collection method: clinical testing. Allele origin: germline. Affected: no.

Ambry Genetics
Classification: Uncertain significance for Cardiovascular phenotype; Hereditary cancer-predisposing syndrome. Last evaluated: 2019-11-01. Review status: criteria provided, single submitter. Criteria: Ambry Variant Classification Scheme 2023. Collection method: clinical testing. Allele origin: germline.
Comment: The p.G1595S variant (also known as c.4783G>A), located in coding exon 36 of the NF1 gene, results from a G to A substitution at nucleotide position 4783. The glycine at codon 1595 is replaced by serine, an amino acid with similar properties. This amino acid position is highly conserved in available vertebrate species. In addition, the in silico prediction for this alteration is inconclusive. Since supporting evidence is limited at this time, the clinical significance of this alteration remains unclear.

Labcorp Genetics (formerly Invitae), Labcorp
Classification: Uncertain significance for Neurofibromatosis, type 1. Last evaluated: 2017-05-28. Review status: criteria provided, single submitter. Criteria: Invitae Variant Classification Sherloc (09022015). Collection method: clinical testing. Allele origin: germline.
Comment: This sequence change replaces glycine with serine at codon 1595 of the NF1 protein (p.Gly1595Ser). The glycine residue is moderately conserved and there is a small physicochemical difference between glycine and serine. This variant is not present in population databases (ExAC no frequency). This variant has not been reported in the literature in individuals with a NF1-related disease. Algorithms developed to predict the effect of missense changes on protein structure and function do not agree on the potential impact of this missense change (SIFT: "Tolerated"; PolyPhen-2: "Probably Damaging"; Align-GVGD: "Class C0"). In summary, this variant has uncertain impact on NF1 function. The available evidence is currently insufficient to determine its role in disease. Therefore, it has been classified as a Variant of Uncertain Significance.